The following is an entry in ClinVar:

NM_001360016.2(G6PD):c.1361G>T (p.Arg454Leu)

Gene: G6PD (glucose-6-phosphate dehydrogenase; minus strand). Cytogenetic location: Xq28.
Variant type: single nucleotide variant.
Coding change: c.1361G>T on transcript NM_001360016.2 (MANE Select); coding-DNA position 1361, G replaced by T.
Protein change: p.Arg454Leu; replaces arginine 454 with leucine.
Molecular consequence: missense variant.
Genome position (GRCh38, 1-based): chrX:154,532,389, C>A on the plus strand (G>T on the coding strand, the complement: G6PD is on the minus strand). VCF-style: chrX-154532389-C-A. GRCh37 (hg19) VCF-style: chrX-153760604-C-A.
Other names: c.1451G>T, p.Arg484Leu (NM_000402.4); c.1361G>T, p.Arg454Leu (NM_001042351.3); short protein forms R454L, R484L.
Identifiers: ClinVar variation 1722630 (VCV001722630.2), dbSNP rs137852324, ClinGen allele CA415233620.
Genomic context (GRCh38, chrX:154,532,389, plus strand): 5'-AGGGCAAAGGCCACCCCATAGCCCACAGGTATGCAGGGGCCGGCAGCTGGGCCTCACCTG[C>A]GCACGAAGTGCATCTGGCTCCCGCAGAAGACGTCCAGGATGAGGCGCTCATAGGCGTCAG-3'
Protein context (NP_001346945.1, residues 444-464): VFCGSQMHFV[Arg454Leu]SDELREAWRI

ClinVar aggregate classification (germline): Likely pathogenic (1 of 4 stars; one submission).

Conditions:
Anemia, nonspherocytic hemolytic, due to G6PD deficiency (CNSHA1). Also called: Hemolytic anemia due to G6PD deficiency; Class I glucose-6-phosphate dehydrogenase deficiency; Favism, susceptibility to; ANEMIA, CONGENITAL, NONSPHEROCYTIC HEMOLYTIC, 1. Identifiers: Orphanet 466026, MedGen C2720289, MONDO:0010480, OMIM 300908.

Submission:

Dunham Lab, University of Washington
Classification: Likely pathogenic for Anemia, nonspherocytic hemolytic, due to G6PD deficiency. Last evaluated: 2022-08-12. Review status: criteria provided, single submitter. Criteria: Bayesian ACMG Guidelines, 2018. Collection method: curation. Allele origin: unknown. Affected: yes.
Comment: Decreased actvity in red blood cells (5%) (PS3). Affects same residue as pathogenic variant (ClinVar ID 93493) (PM5). Not found in gnomAD (PM2). Post_P 0.988 (odds of pathogenicity 729.3, Prior_P 0.1).

Literature cited by the submitters: PubMed 31863082.